The following is an entry in ClinVar:

NM_001267550.2(TTN):c.44281+8T>C

Gene: TTN (titin; minus strand). Cytogenetic location: 2q31.2.
Variant type: single nucleotide variant.
Coding change: c.44281+8T>C on transcript NM_001267550.2 (MANE Select); 8 bases into the intron after coding-DNA position 44281, T replaced by C.
Molecular consequence: intron variant.
Genome position (GRCh38, 1-based): chr2:178,630,233, A>G on the plus strand (T>C on the coding strand, the complement: TTN is on the minus strand). VCF-style: chr2-178630233-A-G. GRCh37 (hg19) VCF-style: chr2-179494960-A-G.
Other names: c.39358+8T>C (NM_001256850.1); c.17086+8T>C (NM_003319.4); c.17662+8T>C (NM_133437.4); c.17461+8T>C (NM_133432.3); c.36577+8T>C (NM_133378.4).
Identifiers: ClinVar variation 228094 (VCV000228094.15), dbSNP rs369121980, ClinGen allele CA10576529.
Genomic context (GRCh38, chr2:178,630,233, plus strand): 5'-AATTTCACTCACATTCATTTTCTGAAAAAGTGTTTATTTAATTTCCCTGAAAAATATACA[A>G]TACTTACGCTTAACTCGGAGGTGGGCACTAGATTTAACATTGGCAGCTTGGAAATCCACC-3'

ClinVar aggregate classification (germline): Likely benign. Review status: criteria provided, multiple submitters, no conflicts (2 of 4 stars). 4 submissions from 4 submitters: Likely benign (4). Last evaluated 2025-11-26.

Conditions:
TTN-related disorder. Also called: TTN-related disorders; TTN-related condition; TTN-related disease.
Dilated cardiomyopathy 1G (CMD1G). Identifiers: Orphanet 154, MedGen C1858763, MONDO:0011400, OMIM 604145.
Autosomal recessive limb-girdle muscular dystrophy type 2J (LGMDR10). Also called: Limb-girdle muscular dystrophy, type 2J; MUSCULAR DYSTROPHY, LIMB-GIRDLE, AUTOSOMAL RECESSIVE 10. Identifiers: Orphanet 140922, MedGen C1837342, MONDO:0012127, OMIM 608807.

Allele frequency attached by ClinVar (database versions not stated): gnomAD exomes below 0.00001 and 0.00001; gnomAD 0.00003; TOPMed 0.00005; ESP Exome Variant Server 0.00008.
gnomAD v4.1: 11 of 1,612,632 alleles (0.00068%); highest among the groups gnomAD compares: African/African-American, 0.011%; no homozygotes.

Submissions (4):

Labcorp Genetics (formerly Invitae), Labcorp
Classification: Likely benign for Dilated cardiomyopathy 1G; Autosomal recessive limb-girdle muscular dystrophy type 2J. Last evaluated: 2025-11-26. Review status: criteria provided, single submitter. Criteria: Invitae Variant Classification Sherloc (09022015). Collection method: clinical testing. Allele origin: germline.

PreventionGenetics, part of Exact Sciences
Classification: Likely benign for TTN-related condition. Last evaluated: 2025-07-24. Review status: criteria provided, single submitter. Criteria: ACMG Guidelines, 2015. Collection method: clinical testing. Allele origin: germline.
Comment: This variant is classified as likely benign based on ACMG/AMP sequence variant interpretation guidelines (Richards et al. 2015 PMID: 25741868, with internal and published modifications).

GeneDx
Classification: Likely benign. Last evaluated: 2018-05-23. Review status: criteria provided, single submitter. Criteria: GeneDx Variant Classification (06012015). Collection method: clinical testing. Allele origin: germline. Affected: yes.
Comment: This variant is considered likely benign or benign based on one or more of the following criteria: it is a conservative change, it occurs at a poorly conserved position in the protein, it is predicted to be benign by multiple in silico algorithms, and/or has population frequency not consistent with disease.

Laboratory for Molecular Medicine, Mass General Brigham Personalized Medicine
Classification: Likely benign. Last evaluated: 2012-03-19. Review status: criteria provided, single submitter. Criteria: LMM Criteria. Collection method: clinical testing. Allele origin: germline. Observed: 1 variant allele.
Comment: c.36577+8T>C in intron 188 of TTN: This variant is not expected to have clinical significance because it is not located within the splice consensus sequence. It has been identified in 1/2934 African American chromosomes from a broad populat ion by the NHLBI Exome Sequencing Project.